The following is an entry in ClinVar:

ClinVar aggregate classification (germline): Uncertain significance. Review status: criteria provided, multiple submitters, no conflicts (2 of 4 stars). 2 submissions from 2 submitters: Uncertain significance (2). Last evaluated 2025-10-07.

Conditions:
Cardiovascular phenotype. Identifiers: MedGen CN230736.

Allele frequency attached by ClinVar (database versions not stated): ExAC 0.00001; gnomAD 0.00001; gnomAD exomes 0.00002; TOPMed 0.00003.
gnomAD v4.1: 19 of 1,210,164 alleles (0.0016%); highest among the groups gnomAD compares: Non-Finnish European, 0.0018%; no homozygotes.

Submissions (2):

Ambry Genetics
Classification: Uncertain significance for Cardiovascular phenotype. Last evaluated: 2025-10-07. Review status: criteria provided, single submitter. Criteria: Ambry Variant Classification Scheme 2023. Collection method: clinical testing. Allele origin: germline.

Labcorp Genetics (formerly Invitae), Labcorp
Classification: Uncertain significance. Last evaluated: 2025-09-10. Review status: criteria provided, single submitter. Criteria: Invitae Variant Classification Sherloc (09022015). Collection method: clinical testing. Allele origin: germline.
Comment: This sequence change replaces arginine, which is basic and polar, with histidine, which is basic and polar, at codon 170 of the BGN protein (p.Arg170His). The frequency data for this variant in the population databases is considered unreliable, as metrics indicate poor data quality at this position in the gnomAD database. This variant has not been reported in the literature in individuals affected with BGN-related conditions. ClinVar contains an entry for this variant (Variation ID: 1473836). Invitae Evidence Modeling of protein sequence and biophysical properties (such as structural, functional, and spatial information, amino acid conservation, physicochemical variation, residue mobility, and thermodynamic stability) indicates that this missense variant is not expected to disrupt BGN protein function with a negative predictive value of 80%. In summary, the available evidence is currently insufficient to determine the role of this variant in disease. Therefore, it has been classified as a Variant of Uncertain Significance.

NM_001711.6(BGN):c.509G>A (p.Arg170His)

Gene: BGN (biglycan; plus strand). Cytogenetic location: Xq28.
Variant type: single nucleotide variant.
Coding change: c.509G>A on transcript NM_001711.6 (MANE Select); coding-DNA position 509, G replaced by A.
Protein change: p.Arg170His; replaces arginine 170 with histidine.
Molecular consequence: missense variant.
Genome position (GRCh38, 1-based): chrX:153,506,020, G>A. VCF-style: chrX-153506020-G-A. GRCh37 (hg19) VCF-style: chrX-152771478-G-A.
Other names: short protein forms R170H.
Identifiers: ClinVar variation 1473836 (VCV001473836.10), dbSNP rs782454465, ClinGen allele CA10547254.